The following is an entry in ClinVar:

NM_005228.5(EGFR):c.1526T>G (p.Leu509Trp)

Gene: EGFR (epidermal growth factor receptor; plus strand). Cytogenetic location: 7p11.2.
Variant type: single nucleotide variant.
Coding change: c.1526T>G on transcript NM_005228.5 (MANE Select); coding-DNA position 1526, T replaced by G.
Protein change: p.Leu509Trp; replaces leucine 509 with tryptophan.
Molecular consequence: missense variant.
Genome position (GRCh38, 1-based): chr7:55,161,526, T>G. VCF-style: chr7-55161526-T-G. GRCh37 (hg19) VCF-style: chr7-55229219-T-G.
Other names: c.1391T>G, p.Leu464Trp (NM_001346897.2, NM_001346899.2); c.1526T>G, p.Leu509Trp (NM_001346898.2, NM_201282.2, NM_201284.2); c.1367T>G, p.Leu456Trp (NM_001346900.2); c.725T>G, p.Leu242Trp (NM_001346941.2); short protein forms L509W, L242W, L456W, L464W.
Identifiers: ClinVar variation 4247297 (VCV004247297.1).

ClinVar aggregate classification (germline): Uncertain significance (1 of 4 stars; one submission).

Conditions:
Hereditary cancer-predisposing syndrome. Also called: Hereditary Cancer Syndrome; Hereditary neoplastic syndrome; Neoplastic Syndromes, Hereditary; Tumor predisposition. Identifiers: Orphanet 140162, MedGen C0027672, MeSH D009386, MONDO:0015356.

gnomAD v4.1: 1 of 1,614,220 alleles (0.000062%); highest among the groups gnomAD compares: Non-Finnish European, 0.000085%; no homozygotes.

Submission:

Ambry Genetics
Classification: Uncertain significance for Hereditary cancer-predisposing syndrome. Last evaluated: 2025-07-12. Review status: criteria provided, single submitter. Criteria: Ambry Variant Classification Scheme 2023. Collection method: clinical testing. Allele origin: germline.
Comment: The p.L509W variant (also known as c.1526T>G), located in coding exon 13 of the EGFR gene, results from a T to G substitution at nucleotide position 1526. The leucine at codon 509 is replaced by tryptophan, an amino acid with similar properties. This amino acid position is conserved. In addition, the in silico prediction for this alteration is inconclusive. Based on the available evidence, the clinical significance of this variant remains unclear.